The following is an entry in ClinVar:

NM_000565.4(IL6R):c.1172C>T (p.Thr391Met)

Gene: IL6R (interleukin 6 receptor; plus strand). Cytogenetic location: 1q21.3.
Variant type: single nucleotide variant.
Coding change: c.1172C>T on transcript NM_000565.4 (MANE Select); coding-DNA position 1172, C replaced by T.
Protein change: p.Thr391Met; replaces threonine 391 with methionine.
Molecular consequence: missense variant.
Genome position (GRCh38, 1-based): chr1:154,465,145, C>T. VCF-style: chr1-154465145-C-T. GRCh37 (hg19) VCF-style: chr1-154437621-C-T.
Other names: c.1271C>T, p.Thr424Met (NM_001382769.1); c.1265C>T, p.Thr422Met (NM_001382770.1); c.1220C>T, p.Thr407Met (NM_001382771.1); c.1166C>T, p.Thr389Met (NM_001382772.1); c.1126C>T, p.Arg376Cys (NM_001382773.1); c.812C>T, p.Thr271Met (NM_001382774.1); c.1078C>T, p.Arg360Cys (NM_181359.3); c.1172C>T (NM_000565.3); short protein forms R360C, T271M, T391M, T407M, T424M, R376C, T422M, T389M.
Identifiers: ClinVar variation 1382435 (VCV001382435.8), dbSNP rs780834522, ClinGen allele CA1129308.
Genomic context (GRCh38, chr1:154,465,145, plus strand): 5'-AGGGGGAGCTAAAAATCTGTGTGGTTTGTCTTTGTGTGTTTGTGTGAAGGTTCAAGAAGA[C>T]GTGGAAGCTGCGGGCTCTGAAGGAAGGCAAGACAAGCATGCATCCGCCGTACTCTTTGGG-3'
Protein context (NP_000556.1, residues 381-401): CIAIVLRFKK[Thr391Met]WKLRALKEGK

ClinVar aggregate classification (germline): Uncertain significance. Review status: criteria provided, multiple submitters, no conflicts (2 of 4 stars). 2 submissions from 2 submitters: Uncertain significance (2). Last evaluated 2026-01-05.

gnomAD v4.1: 255 of 1,613,956 alleles (0.016%); highest among the groups gnomAD compares: South Asian, 0.021%; no homozygotes.

Submissions (2):

Labcorp Genetics (formerly Invitae), Labcorp
Classification: Uncertain significance. Last evaluated: 2026-01-05. Review status: criteria provided, single submitter. Criteria: Invitae Variant Classification Sherloc (09022015). Collection method: clinical testing. Allele origin: germline.
Comment: This sequence change replaces threonine, which is neutral and polar, with methionine, which is neutral and non-polar, at codon 391 of the IL6R protein (p.Thr391Met). This variant is present in population databases (rs780834522, gnomAD 0.01%). This variant has not been reported in the literature in individuals affected with IL6R-related conditions. ClinVar contains an entry for this variant (Variation ID: 1382435). An algorithm developed to predict the effect of missense changes on protein structure and function outputs the following: PolyPhen-2: "Benign". The methionine amino acid residue is found in multiple mammalian species, which suggests that this missense change does not adversely affect protein function. In summary, the available evidence is currently insufficient to determine the role of this variant in disease. Therefore, it has been classified as a Variant of Uncertain Significance.

Ambry Genetics
Classification: Uncertain significance. Last evaluated: 2024-09-27. Review status: criteria provided, single submitter. Criteria: Ambry Variant Classification Scheme 2023. Collection method: clinical testing. Allele origin: germline.